The following is an entry in ClinVar:

ClinVar aggregate classification (germline): Benign/Likely benign. Review status: criteria provided, multiple submitters, no conflicts (2 of 4 stars). 5 submissions from 5 submitters: Benign (2); Likely benign (3). Last evaluated 2025-12-31.

Conditions:
Fanconi anemia complementation group J. Also called: BRIP1-Related Fanconi Anemia. Identifiers: Orphanet 84, MedGen C1836860, MONDO:0012187, OMIM 609054.
Familial cancer of breast. Also called: Hereditary breast cancer; BREAST CANCER, FAMILIAL; hereditary breast carcinoma. Identifiers: Orphanet 227535, MedGen C0346153, MONDO:0016419, OMIM 114480. Disease mechanism: loss of function.
Hereditary cancer-predisposing syndrome. Also called: Tumor predisposition; Neoplastic Syndromes, Hereditary; Hereditary Cancer Syndrome; Hereditary neoplastic syndrome. Identifiers: Orphanet 140162, MedGen C0027672, MeSH D009386, MONDO:0015356.

Allele frequency attached by ClinVar (database versions not stated): gnomAD exomes below 0.00001; TOPMed 0.00001.
gnomAD v4.1: 1 of 1,613,626 alleles (0.000062%); highest among the groups gnomAD compares: African/African-American, 0.0013%; no homozygotes.

Submissions (5):

Labcorp Genetics (formerly Invitae), Labcorp
Classification: Likely benign for Familial cancer of breast; Fanconi anemia complementation group J. Last evaluated: 2025-12-31. Review status: criteria provided, single submitter. Criteria: Invitae Variant Classification Sherloc (09022015). Collection method: clinical testing. Allele origin: germline.

KCCC/NGS Laboratory, Kuwait Cancer Control Center
Classification: Benign for Familial cancer of breast. Last evaluated: 2025-02-01. Review status: criteria provided, single submitter. Criteria: ACMG Guidelines, 2015. Collection method: clinical testing. Allele origin: germline. Affected: no.

Myriad Genetics, Inc.
Classification: Benign for Familial cancer of breast. Last evaluated: 2024-09-10. Review status: criteria provided, single submitter. Criteria: Myriad Autosomal Dominant, Autosomal Recessive and X-Linked Classification Criteria (2023). Collection method: clinical testing. Allele origin: unknown.
Comment: This variant is considered benign. This variant is a silent/synonymous amino acid change and it is not expected to impact splicing.

Color Diagnostics, LLC DBA Color Health
Classification: Likely benign for Hereditary cancer-predisposing syndrome. Last evaluated: 2018-03-08. Review status: criteria provided, single submitter. Criteria: ACMG Guidelines, 2015. Collection method: clinical testing. Allele origin: germline.

Ambry Genetics
Classification: Likely benign for Hereditary cancer-predisposing syndrome. Last evaluated: 2017-03-23. Review status: criteria provided, single submitter. Criteria: Ambry Variant Classification Scheme 2023. Collection method: clinical testing. Allele origin: germline.

NM_032043.3(BRIP1):c.3543A>G (p.Ser1181=)

Gene: BRIP1 (BRCA1 interacting DNA helicase 1; minus strand). Cytogenetic location: 17q23.2.
Variant type: single nucleotide variant.
Coding change: c.3543A>G on transcript NM_032043.3 (MANE Select); coding-DNA position 3543, A replaced by G.
Protein change: p.Ser1181=; no amino-acid change (serine 1181 retained).
Molecular consequence: synonymous variant.
Genome position (GRCh38, 1-based): chr17:61,683,503, T>C on the plus strand (A>G on the coding strand, the complement: BRIP1 is on the minus strand). VCF-style: chr17-61683503-T-C. GRCh37 (hg19) VCF-style: chr17-59760864-T-C.
Identifiers: ClinVar variation 414671 (VCV000414671.21), dbSNP rs1060504328, ClinGen allele CA16615482.